The following is an entry in ClinVar:

NM_004629.2(FANCG):c.1481-1G>C

Gene: FANCG (FA complementation group G; minus strand). Cytogenetic location: 9p13.3.
Variant type: single nucleotide variant.
Coding change: c.1481-1G>C on transcript NM_004629.2 (MANE Select); the canonical splice acceptor site of the intron before coding-DNA position 1481, G replaced by C.
Molecular consequence: splice acceptor variant.
Genome position (GRCh38, 1-based): chr9:35,075,083, C>G on the plus strand (G>C on the coding strand, the complement: FANCG is on the minus strand). VCF-style: chr9-35075083-C-G. GRCh37 (hg19) VCF-style: chr9-35075080-C-G.
Identifiers: ClinVar variation 1520536 (VCV001520536.6), dbSNP rs2131053141, ClinGen allele CA373305269.

ClinVar aggregate classification (germline): Likely pathogenic (1 of 4 stars; one submission).

Conditions:
Fanconi anemia (FA). Also called: Fanconi's anemia. Identifiers: Orphanet 84, MedGen C0015625, MeSH D005199, MONDO:0019391.

Submission:

Labcorp Genetics (formerly Invitae), Labcorp
Classification: Likely pathogenic for Fanconi anemia. Last evaluated: 2022-09-09. Review status: criteria provided, single submitter. Criteria: Invitae Variant Classification Sherloc (09022015). Collection method: clinical testing. Allele origin: germline.
Comment: This variant has not been reported in the literature in individuals affected with FANCG-related conditions. In summary, the currently available evidence indicates that the variant is pathogenic, but additional data are needed to prove that conclusively. Therefore, this variant has been classified as Likely Pathogenic. Algorithms developed to predict the effect of sequence changes on RNA splicing suggest that this variant may disrupt the consensus splice site. ClinVar contains an entry for this variant (Variation ID: 1520536). This variant is not present in population databases (gnomAD no frequency). This sequence change affects an acceptor splice site in intron 11 of the FANCG gene. It is expected to disrupt RNA splicing. Variants that disrupt the donor or acceptor splice site typically lead to a loss of protein function (PMID: 16199547), and loss-of-function variants in FANCG are known to be pathogenic (PMID: 12552564).

Literature cited by the submitters: PubMed 16199547; PubMed 12552564.